The following is an entry in ClinVar:

ClinVar aggregate classification (germline): Uncertain significance. Review status: criteria provided, multiple submitters, no conflicts (2 of 4 stars). 4 submissions from 4 submitters: Uncertain significance (3). 1 of the submissions does not count toward it. Last evaluated 2026-07-01.

Conditions:
Hereditary hemorrhagic telangiectasia (HHT). Also called: Osler hemorrhagic telangiectasia syndrome; ORW DISEASE; Osler Weber Rendu syndrome; OSLER-RENDU-WEBER DISEASE. Identifiers: Orphanet 774, MedGen C0039445, MONDO:0019180. Disease mechanism: loss of function.
Telangiectasia, hereditary hemorrhagic, type 1 (HHT1). Also called: Osler Weber Rendu syndrome type 1; ENG-Related Hereditary Hemorrhagic Telangiectasia. Identifiers: Orphanet 774, MedGen C4551861, MONDO:0008535, OMIM 187300. Disease mechanism: loss of function.

Allele frequency attached by ClinVar (database versions not stated): ExAC 0.00002; gnomAD exomes 0.00002; TOPMed 0.00002.
gnomAD v4.1: 16 of 1,614,152 alleles (0.00099%); highest among the groups gnomAD compares: Non-Finnish European, 0.001%; no homozygotes.

Submissions (4):

CeGaT Center for Human Genetics Tuebingen
Classification: Uncertain significance. Last evaluated: 2026-07-01. Review status: criteria provided, single submitter. Criteria: CeGaT Center For Human Genetics Tuebingen Variant Classification Criteria Version 2. Collection method: clinical testing. Allele origin: germline. Affected: yes. Observed: 1 variant allele.
Comment: ENG: PM2, PS4:Moderate, BP2

Labcorp Genetics (formerly Invitae), Labcorp
Classification: Uncertain significance for Hereditary hemorrhagic telangiectasia. Last evaluated: 2025-07-10. Review status: criteria provided, single submitter. Criteria: Invitae Variant Classification Sherloc (09022015). Collection method: clinical testing. Allele origin: germline.
Comment: This sequence change replaces lysine, which is basic and polar, with arginine, which is basic and polar, at codon 513 of the ENG protein (p.Lys513Arg). This variant is present in population databases (rs765564489, gnomAD 0.005%). This missense change has been observed in individual(s) with clinical features of juvenile polyposis syndrome and clinical features of hereditary hemorrhagic telangiectasia (PMID: 16287957, 28655553). ClinVar contains an entry for this variant (Variation ID: 960198). Invitae Evidence Modeling of protein sequence and biophysical properties (such as structural, functional, and spatial information, amino acid conservation, physicochemical variation, residue mobility, and thermodynamic stability) indicates that this missense variant is expected to disrupt ENG protein function with a positive predictive value of 80%. In summary, the available evidence is currently insufficient to determine the role of this variant in disease. Therefore, it has been classified as a Variant of Uncertain Significance.

Mayo Clinic Laboratories, Mayo Clinic
Classification: Uncertain significance. Last evaluated: 2020-11-12. Review status: criteria provided, single submitter. Criteria: ACMG Guidelines, 2015. Collection method: clinical testing. Allele origin: germline. Observed: 1 variant allele.

Seattle Children's Hospital Molecular Genetics Laboratory, Seattle Children's Hospital
Classification: Uncertain significance for Telangiectasia, hereditary hemorrhagic, type 1. Review status: no assertion criteria provided. Collection method: clinical testing. Allele origin: germline. Affected: yes. Not counted in ClinVar's aggregate classification.

Literature cited by the submitters: PubMed 16287957 (cited by Labcorp Genetics (formerly Invitae), Labcorp); PubMed 28655553 (cited by Labcorp Genetics (formerly Invitae), Labcorp).

NM_001114753.3(ENG):c.1538A>G (p.Lys513Arg)

Genes: ENG (endoglin; minus strand), LOC102723566 (uncharacterized LOC102723566; plus strand). Cytogenetic location: 9q34.11.
Variant type: single nucleotide variant.
Coding change: c.1538A>G on transcript NM_001114753.3 (MANE Select); coding-DNA position 1538, A replaced by G.
Protein change: p.Lys513Arg; replaces lysine 513 with arginine.
Molecular consequence: missense variant.
Genome position (GRCh38, 1-based): chr9:127,818,268, T>C on the plus strand (A>G on the coding strand, the complement: ENG is on the minus strand). VCF-style: chr9-127818268-T-C. GRCh37 (hg19) VCF-style: chr9-130580547-T-C.
Other names: c.1538A>G, p.Lys513Arg (NM_000118.4); c.992A>G, p.Lys331Arg (NM_001278138.2); short protein forms K331R, K513R.
Identifiers: ClinVar variation 960198 (VCV000960198.14), dbSNP rs765564489, ClinGen allele CA5252734.